The following is an entry in ClinVar:

NM_007294.4(BRCA1):c.22G>C (p.Val8Leu)

Gene: BRCA1 (BRCA1 DNA repair associated; minus strand). Cytogenetic location: 17q21.31.
Variant type: single nucleotide variant.
Coding change: c.22G>C on transcript NM_007294.4 (MANE Select); coding-DNA position 22, G replaced by C.
Protein change: p.Val8Leu; replaces valine 8 with leucine.
Molecular consequence: missense variant. On other transcripts: 5 prime UTR variant (1), non-coding transcript variant (1).
Genome position (GRCh38, 1-based): chr17:43,124,075, C>G on the plus strand (G>C on the coding strand, the complement: BRCA1 is on the minus strand). VCF-style: chr17-43124075-C-G. GRCh37 (hg19) VCF-style: chr17-41276092-C-G.
Other names: c.22G>C, p.Val8Leu (NM_001408392.1, NM_001408396.1, NM_001408397.1 and 193 more transcripts); c.-239G>C (NM_001408410.1, NM_001408452.1, NM_001408462.1 and 22 more transcripts); c.-66G>C (NM_001408454.1, NM_001408459.1, NM_001408460.1 and 23 more transcripts); c.-236G>C (NM_001408455.1, NM_001408456.1, NM_001408468.1 and 11 more transcripts); c.-240G>C (NM_001408465.1, NM_001407695.1); c.-167G>C (NM_001408478.1, NM_001408479.1, NM_001408480.1 and 46 more transcripts); c.-312G>C (NM_001408482.1); c.-283G>C (NM_001408492.1, NM_001407889.1); and 8 more; short protein forms V8L.
Identifiers: ClinVar variation 867690 (VCV000867690.3), dbSNP rs528902306, ClinGen allele CA10602120.

Conditions:
Breast-ovarian cancer, familial, susceptibility to, 1 (BROVCA1). Also called: BRCA1 Hereditary Breast and Ovarian Cancer; OVARIAN CANCER, SUSCEPTIBILITY TO. Identifiers: Orphanet 145, MedGen C2676676, MONDO:0011450, OMIM 604370. Disease mechanism: loss of function.

Submission:

Brotman Baty Institute, University of Washington
No classification provided (evidence only). Condition: Breast-ovarian cancer, familial 1. Review status: no classification provided. Collection method: in vitro. Allele origin: not applicable. Functional consequence: functionally_normal.
ClinVar note: "not provided" was previously submitted as the classification for the variant. However, the classification appeared to be based only on an observation of functional data so it was converted to no classification on 2025-07-30.